The following is an entry in ClinVar:

ClinVar aggregate classification (germline): Uncertain significance. Review status: criteria provided, multiple submitters, no conflicts (2 of 4 stars). 3 submissions from 3 submitters: Uncertain significance (2). 1 of the submissions does not count toward it. Last evaluated 2022-04-29.

Conditions:
Polycystic kidney disease. Also called: Kidney, Polycystic; Polycystic kidney dysplasia. Identifiers: MedGen C0022680, MeSH D007690, MONDO:0020642, HP:0000113.
Polycystic kidney disease, adult type (PKD1). Also called: POLYCYSTIC KIDNEY DISEASE, ADULT, TYPE I; Polycystic Kidney Disease 1, Autosomal Dominant; Polycystic kidney disease 1; Polycystic kidney disease 1, severe; Polycystic Kidney, Autosomal Dominant; POLYCYSTIC KIDNEY DISEASE 1 WITH OR WITHOUT POLYCYSTIC LIVER DISEASE. Identifiers: MedGen C3149841, MONDO:0008263, OMIM 173900.

Allele frequency attached by ClinVar (database versions not stated): TOPMed below 0.00001; gnomAD 0.00001.
gnomAD v4.1: 1 of 1,612,464 alleles (0.000062%); highest among the groups gnomAD compares: Non-Finnish European, 0.000085%; no homozygotes.

Submissions (3):

Fulgent Genetics
Classification: Uncertain significance for Polycystic kidney disease, adult type. Last evaluated: 2022-04-29. Review status: criteria provided, single submitter. Criteria: ACMG Guidelines, 2015. Collection method: clinical testing. Allele origin: unknown.

Blueprint Genetics
Classification: Uncertain significance. Last evaluated: 2019-09-20. Review status: criteria provided, single submitter. Criteria: ACMG Guidelines, 2015. Collection method: clinical testing. Allele origin: germline.

Department of Pathology and Laboratory Medicine, Sinai Health System
Classification: Uncertain significance for Polycystic Kidney disease. Review status: no assertion criteria provided. Collection method: clinical testing. Allele origin: unknown. Affected: yes. Study: The Canadian Open Genetics Repository (COGR). Not counted in ClinVar's aggregate classification.
Comment: The PKD1 p.Arg1579Pro variant was identified in 1 of 44 proband chromosomes (frequency: 0.02) from individuals or families with isolated bilateral hyperechogenic kidneys (IBHK), in one case confirmed to be paternally inherited from an unaffected father (Shuster 2019). The variant was also identified in dbSNP (ID: rs541777274) as â€šÃ„ÃºWith Uncertain significance alleleâ€šÃ„Ã¹. The variant was not identified in the ClinVar, LOVD 3.0, ADPKD Mutation Database, PKD1-LOVD, the Exome Aggregation Consortium (August 8th 2016) or the Genome Aggregation Database (Feb 27, 2017). The p.Arg1579 residue is not conserved in mammals and computational analyses (PolyPhen-2, SIFT, AlignGVGD, BLOSUM, MutationTaster) provide inconsistent predictions regarding the impact to the protein; this information is not very predictive of pathogenicity. The variant occurs outside of the splicing consensus sequence and in silico or computational prediction software programs (SpliceSiteFinder, MaxEntScan, NNSPLICE, GeneSplicer) do not predict a difference in splicing. In summary, based on the above information, the clinical significance of this variant cannot be determined with certainty at this time. This variant is classified as a variant of uncertain significance.

NM_001009944.3(PKD1):c.4736G>C (p.Arg1579Pro)

Gene: PKD1 (polycystin 1, transient receptor potential channel interacting; minus strand). Cytogenetic location: 16p13.3.
Variant type: single nucleotide variant.
Coding change: c.4736G>C on transcript NM_001009944.3 (MANE Select); coding-DNA position 4736, G replaced by C.
Protein change: p.Arg1579Pro; replaces arginine 1579 with proline.
Molecular consequence: missense variant.
Genome position (GRCh38, 1-based): chr16:2,110,431, C>G on the plus strand (G>C on the coding strand, the complement: PKD1 is on the minus strand). VCF-style: chr16-2110431-C-G. GRCh37 (hg19) VCF-style: chr16-2160432-C-G.
Other names: c.4736G>C, p.Arg1579Pro (NM_000296.4); short protein forms R1579P.
Identifiers: ClinVar variation 433963 (VCV000433963.5), dbSNP rs541777274, ClinGen allele CA394379359.